The following is an entry in ClinVar:

NM_006514.4(SCN10A):c.4416C>T (p.Ile1472=)

Gene: SCN10A (sodium voltage-gated channel alpha subunit 10; minus strand). Cytogenetic location: 3p22.2.
Variant type: single nucleotide variant.
Coding change: c.4416C>T on transcript NM_006514.4 (MANE Select); coding-DNA position 4416, C replaced by T.
Protein change: p.Ile1472=; no amino-acid change (isoleucine 1472 retained).
Molecular consequence: synonymous variant.
Genome position (GRCh38, 1-based): chr3:38,702,080, G>A on the plus strand (C>T on the coding strand, the complement: SCN10A is on the minus strand). VCF-style: chr3-38702080-G-A. GRCh37 (hg19) VCF-style: chr3-38743571-G-A.
Other names: p.Ile1472=; c.4413C>T, p.Ile1471= (NM_001293306.2); c.4122C>T, p.Ile1374= (NM_001293307.2).
Identifiers: ClinVar variation 414630 (VCV000414630.52), dbSNP rs144944369, ClinGen allele CA2319894.

ClinVar aggregate classification (germline): Benign/Likely benign. Review status: criteria provided, multiple submitters, no conflicts (2 of 4 stars). 11 submissions from 11 submitters: Benign (3); Likely benign (6). 2 of the submissions do not count toward it. Last evaluated 2026-07-01.

Conditions:
Episodic pain syndrome, familial, 2 (FEPS2). Identifiers: Orphanet 306577, MedGen C3809893, MONDO:0014246, OMIM 615551.
Cardiovascular phenotype. Identifiers: MedGen CN230736.
Brugada syndrome. Also called: Sudden unexplained nocturnal death syndrome; Sudden Unexplained Death Syndrome; Sudden Unexplained Nocturnal Death Syndrome (SUNDS); Sudden unexpected nocturnal death syndrome. Identifiers: Orphanet 130, MedGen C1142166, MONDO:0015263.

Allele frequency attached by ClinVar (database versions not stated): 1000 Genomes Project 30x 0.00016; 1000 Genomes Project 0.00020; TOPMed 0.00101; gnomAD exomes 0.00104 and 0.00106; ExAC 0.00117; ESP Exome Variant Server 0.00131; gnomAD 0.00267.
gnomAD v4.1: 1,685 of 1,572,562 alleles (0.11%); highest among the groups gnomAD compares: Non-Finnish European, 0.12%; 3 homozygotes.

Submissions (11):

CeGaT Center for Human Genetics Tuebingen
Classification: Likely benign. Last evaluated: 2026-07-01. Review status: criteria provided, single submitter. Criteria: CeGaT Center For Human Genetics Tuebingen Variant Classification Criteria Version 2. Collection method: clinical testing. Allele origin: germline. Affected: yes. Observed: 18 variant alleles.
Comment: SCN10A: BP4, BP7

Labcorp Genetics (formerly Invitae), Labcorp
Classification: Benign for Brugada syndrome. Last evaluated: 2026-02-01. Review status: criteria provided, single submitter. Criteria: Invitae Variant Classification Sherloc (09022015). Collection method: clinical testing. Allele origin: germline.

Women's Health and Genetics/Laboratory Corporation of America, LabCorp
Classification: Benign. Last evaluated: 2025-04-17. Review status: criteria provided, single submitter. Criteria: LabCorp Variant Classification Summary - May 2015. Collection method: clinical testing. Allele origin: germline.

Blueprint Genetics
Classification: Likely benign. Last evaluated: 2024-11-23. Review status: criteria provided, single submitter. Criteria: ACMG Guidelines, 2015. Collection method: clinical testing. Allele origin: germline.

Fulgent Genetics
Classification: Likely benign for Episodic pain syndrome, familial, 2. Last evaluated: 2021-07-26. Review status: criteria provided, single submitter. Criteria: ACMG Guidelines, 2015. Collection method: clinical testing. Allele origin: unknown.

GeneDx
Classification: Likely benign. Last evaluated: 2020-12-28. Review status: criteria provided, single submitter. Criteria: GeneDx Variant Classification Process June 2021. Collection method: clinical testing. Allele origin: germline. Affected: yes.

Mayo Clinic Laboratories, Mayo Clinic
Classification: Benign. Last evaluated: 2020-04-15. Review status: criteria provided, single submitter. Criteria: ACMG Guidelines, 2015. Collection method: clinical testing. Allele origin: germline. Observed: 3 variant alleles.

Ambry Genetics
Classification: Likely benign for Cardiovascular phenotype. Last evaluated: 2019-03-20. Review status: criteria provided, single submitter. Criteria: Ambry Variant Classification Scheme 2023. Collection method: clinical testing. Allele origin: germline.

Breakthrough Genomics
Classification: Likely benign. Review status: criteria provided, single submitter. Criteria: ACMG Guidelines, 2015. Collection method: not provided. Allele origin: germline. Inheritance: Autosomal dominant inheritance. Affected: yes.

Clinical Genetics, Academic Medical Center
Classification: Benign. Review status: no assertion criteria provided. Collection method: clinical testing. Allele origin: germline. Affected: yes. Study: VKGL Data-share Consensus. Not counted in ClinVar's aggregate classification.

Joint Genome Diagnostic Labs from Nijmegen and Maastricht, Radboudumc and MUMC+
Classification: Likely benign. Review status: no assertion criteria provided. Collection method: clinical testing. Allele origin: germline. Affected: yes. Study: VKGL Data-share Consensus. Not counted in ClinVar's aggregate classification.